The following is an entry in ClinVar:

NM_001206927.2(DNAH8):c.7580A>G (p.Asn2527Ser)

Gene: DNAH8 (dynein axonemal heavy chain 8; plus strand). Cytogenetic location: 6p21.2.
Variant type: single nucleotide variant.
Coding change: c.7580A>G on transcript NM_001206927.2 (MANE Select); coding-DNA position 7580, A replaced by G.
Protein change: p.Asn2527Ser; replaces asparagine 2527 with serine.
Molecular consequence: missense variant.
Genome position (GRCh38, 1-based): chr6:38,873,336, A>G. VCF-style: chr6-38873336-A-G. GRCh37 (hg19) VCF-style: chr6-38841112-A-G.
Other names: c.7580A>G (NM_001206927.1); c.6929A>G, p.Asn2310Ser (NM_001371.4); short protein forms N2310S, N2527S.
Identifiers: ClinVar variation 1018540 (VCV001018540.6), dbSNP rs769151939, ClinGen allele CA3789956.

ClinVar aggregate classification (germline): Uncertain significance. Review status: criteria provided, multiple submitters, no conflicts (2 of 4 stars). 2 submissions from 2 submitters: Uncertain significance (2). Last evaluated 2024-03-04.

Conditions:
Primary ciliary dyskinesia. Also called: Ciliary dyskinesia. Identifiers: Orphanet 244, MedGen C0008780, MONDO:0016575, HP:0012265.

Allele frequency attached by ClinVar (database versions not stated): gnomAD 0.00001 and 0.00002; gnomAD exomes 0.00003 and 0.00010; TOPMed 0.00005; ExAC 0.00011.
gnomAD v4.1: 50 of 1,611,962 alleles (0.0031%); highest among the groups gnomAD compares: South Asian, 0.04%; no homozygotes.

Submissions (2):

Labcorp Genetics (formerly Invitae), Labcorp
Classification: Uncertain significance for Primary ciliary dyskinesia. Last evaluated: 2024-03-04. Review status: criteria provided, single submitter. Criteria: Invitae Variant Classification Sherloc (09022015). Collection method: clinical testing. Allele origin: germline.
Comment: This sequence change replaces asparagine, which is neutral and polar, with serine, which is neutral and polar, at codon 2527 of the DNAH8 protein (p.Asn2527Ser). This variant is present in population databases (rs769151939, gnomAD 0.07%). This variant has not been reported in the literature in individuals affected with DNAH8-related conditions. ClinVar contains an entry for this variant (Variation ID: 1018540). Advanced modeling of protein sequence and biophysical properties (such as structural, functional, and spatial information, amino acid conservation, physicochemical variation, residue mobility, and thermodynamic stability) performed at Invitae indicates that this missense variant is not expected to disrupt DNAH8 protein function with a negative predictive value of 80%. In summary, the available evidence is currently insufficient to determine the role of this variant in disease. Therefore, it has been classified as a Variant of Uncertain Significance.

Ambry Genetics
Classification: Uncertain significance. Last evaluated: 2024-02-21. Review status: criteria provided, single submitter. Criteria: Ambry Variant Classification Scheme 2023. Collection method: clinical testing. Allele origin: germline.